The following is an entry in ClinVar:

ClinVar aggregate classification (germline): Pathogenic. Review status: criteria provided, multiple submitters, no conflicts (2 of 4 stars). 3 submissions from 3 submitters: Pathogenic (2). 1 of the submissions does not count toward it. Last evaluated 2024-07-02.

Conditions:
Isolated growth hormone deficiency, type 4. Also called: ISOLATED GROWTH HORMONE DEFICIENCY, TYPE IV; DWARFISM OF SINDH. Identifiers: Orphanet 684247, MedGen C4722273, MONDO:0032567, OMIM 618157.

Allele frequency attached by ClinVar (database versions not stated): gnomAD 0.00006 and 0.00007; gnomAD exomes 0.00002; TOPMed 0.00005.

Submissions (3):

GeneDx
Classification: Pathogenic. Last evaluated: 2024-07-02. Review status: criteria provided, single submitter. Criteria: GeneDx Variant Classification Process June 2021. Collection method: clinical testing. Allele origin: germline. Affected: yes.
Comment: Canonical splice site variant predicted to result in a null allele in a gene for which loss of function is a known mechanism of disease; This variant is associated with the following publications: (PMID: 28456063, 31902114, 32935264, 23052699, 24057284, 24398366, 10084571, 25761575, 27552668, 24272598, 30959475, 29571594, 30860584, 31980526, 28428227, 28432269, 11443201, 16522693, 16355809, 10822217)

Labcorp Genetics (formerly Invitae), Labcorp
Classification: Pathogenic. Last evaluated: 2021-12-19. Review status: criteria provided, single submitter. Criteria: Invitae Variant Classification Sherloc (09022015). Collection method: clinical testing. Allele origin: germline.
Comment: Algorithms developed to predict the effect of sequence changes on RNA splicing suggest that this variant may disrupt the consensus splice site. ClinVar contains an entry for this variant (Variation ID: 15990). Disruption of this splice site has been observed in individuals with growth hormone deficiency (PMID: 10084571, 23052699). It has also been observed to segregate with disease in related individuals. The frequency data for this variant in the population databases is considered unreliable, as metrics indicate poor data quality at this position in the gnomAD database. This sequence change affects a donor splice site in intron 1 of the GHRHR gene. It is expected to disrupt RNA splicing. Variants that disrupt the donor or acceptor splice site typically lead to a loss of protein function (PMID: 16199547), and loss-of-function variants in GHRHR are known to be pathogenic (PMID: 12444890, 16355809). For these reasons, this variant has been classified as Pathogenic.

OMIM
Classification: Pathogenic for ISOLATED GROWTH HORMONE DEFICIENCY, TYPE IV. Last evaluated: 2007-12-01. Review status: no assertion criteria provided. Collection method: literature only. Allele origin: germline. Not counted in ClinVar's aggregate classification.

Literature cited by the submitters: PubMed 10084571 (cited by Labcorp Genetics (formerly Invitae), Labcorp and OMIM); PubMed 23052699 (cited by Labcorp Genetics (formerly Invitae), Labcorp); PubMed 16199547 (cited by Labcorp Genetics (formerly Invitae), Labcorp); PubMed 12444890 (cited by Labcorp Genetics (formerly Invitae), Labcorp); PubMed 16355809 (cited by Labcorp Genetics (formerly Invitae), Labcorp); PubMed 10566659 (cited by OMIM); PubMed 11443201 (cited by OMIM); PubMed 16522693 (cited by OMIM); PubMed 17356054 (cited by OMIM); PubMed 17911170 (cited by OMIM).

NM_000823.4(GHRHR):c.57+1G>A

Gene: GHRHR (growth hormone releasing hormone receptor; plus strand). Cytogenetic location: 7p14.3.
Variant type: single nucleotide variant.
Coding change: c.57+1G>A on transcript NM_000823.4 (MANE Select); the canonical splice donor site of the intron after coding-DNA position 57, G replaced by A.
Molecular consequence: splice donor variant.
Genome position (GRCh38, 1-based): chr7:30,964,126, G>A. VCF-style: chr7-30964126-G-A. GRCh37 (hg19) VCF-style: chr7-31003741-G-A.
Other names: IVS1, G-A, +1.
Identifiers: ClinVar variation 15990 (VCV000015990.11), dbSNP rs2302022, ClinGen allele CA156100276.
Genomic context (GRCh38, chr7:30,964,126, plus strand): 5'-ACCATGGACCGCCGGATGTGGGGGGCCCACGTCTTCTGCGTGTTGAGCCCGTTACCGACC[G>A]TGAGTAGCCAGCTGAGACCCTCTGGCCTCTGCCACTGGGCTCCAGATTTGGGAGCCACAG-3'